The following is an entry in ClinVar:

NM_003676.4(DEGS1):c.356C>A (p.Pro119Gln)

Gene: DEGS1 (delta 4-desaturase, sphingolipid 1; plus strand). Cytogenetic location: 1q42.11.
Variant type: single nucleotide variant.
Coding change: c.356C>A on transcript NM_003676.4 (MANE Select); coding-DNA position 356, C replaced by A.
Protein change: p.Pro119Gln; replaces proline 119 with glutamine.
Molecular consequence: missense variant.
Genome position (GRCh38, 1-based): chr1:224,189,850, C>A. VCF-style: chr1-224189850-C-A. GRCh37 (hg19) VCF-style: chr1-224377552-C-A.
Other names: c.356C>A, p.Pro119Gln (NM_001321541.2); c.248C>A, p.Pro83Gln (NM_001321542.2); short protein forms P119Q, P83Q.
Identifiers: ClinVar variation 2429411 (VCV002429411.3), dbSNP rs1269455128, ClinGen allele CA344709119.

ClinVar aggregate classification (germline): Uncertain significance (1 of 4 stars; one submission).

Allele frequency attached by ClinVar (database versions not stated): gnomAD exomes below 0.00001.
gnomAD v4.1: 1 of 1,614,158 alleles (0.000062%); highest among the groups gnomAD compares: South Asian, 0.0011%; no homozygotes.

Submission:

Illumina Laboratory Services, Illumina
Classification: Uncertain significance. Last evaluated: 2022-10-03. Review status: criteria provided, single submitter. Criteria: ICSL CNVClassificationCriteria Aug2020. Collection method: clinical testing. Allele origin: unknown. Affected: yes.
Comment: The DEGS1 c.356C>A (p.Pro119Gln) missense variant results in the substitution of proline at amino acid position 119 with glutamine. To our knowledge, this variant has not been reported in the peer-reviewed literature. This variant is reported in the Genome Aggregation Database in one allele at a frequency of 0.000033 in the South Asian population (version 2.1.1). Based on the available evidence, the c.356C>A (p.Pro119Gln) variant is classified as a variant of uncertain significance for DEGS1-related hypomyelinating leukodystrophy.